The following is an entry in ClinVar:

ClinVar aggregate classification (germline): Pathogenic (1 of 4 stars; one submission).

Conditions:
Granulomatous disease, chronic, autosomal recessive, cytochrome b-positive, type 2. Also called: GRANULOMATOUS DISEASE, CHRONIC, DUE TO NCF2 DEFICIENCY; Chronic granulomatous disease due to deficiency of NCF-2; Chronic Granulomatous Disease, Autosomal Recessive, Cytochrome b-Positive, Type II; GRANULOMATOUS DISEASE, CHRONIC, AUTOSOMAL RECESSIVE, 2; CGD, AUTOSOMAL RECESSIVE CYTOCHROME b-POSITIVE, TYPE II. Identifiers: Orphanet 379, MedGen C1856245, MONDO:0009310, OMIM 233710.

Submission:

Labcorp Genetics (formerly Invitae), Labcorp
Classification: Pathogenic for Granulomatous disease, chronic, autosomal recessive, cytochrome b-positive, type 2. Last evaluated: 2025-10-18. Review status: criteria provided, single submitter. Criteria: Invitae Variant Classification Sherloc (09022015). Collection method: clinical testing. Allele origin: germline.
Comment: This sequence change creates a premature translational stop signal (p.His302Thrfs*43) in the NCF2 gene. It is expected to result in an absent or disrupted protein product. Loss-of-function variants in NCF2 are known to be pathogenic (PMID: 10498624, 20167518). This variant is present in population databases (rs777621636, gnomAD 0.003%). This variant has not been reported in the literature in individuals affected with NCF2-related conditions. ClinVar contains an entry for this variant (Variation ID: 579352). For these reasons, this variant has been classified as Pathogenic.

Literature cited by the submitters: PubMed 10498624; PubMed 20167518.

NM_000433.4(NCF2):c.904del (p.His302fs)

Gene: NCF2 (neutrophil cytosolic factor 2; minus strand). Cytogenetic location: 1q25.3.
Variant type: Deletion.
Coding change: c.904del on transcript NM_000433.4 (MANE Select); coding-DNA position 904, one base deleted (C; older notation c.904delC).
Protein change: p.His302fs; shifts the reading frame from histidine 302.
Molecular consequence: frameshift variant.
Genome position (GRCh38, 1-based): chr1:183,566,940, G deleted on the plus strand (C on the coding strand, the reverse complement: NCF2 is on the minus strand); the first of 2 consecutive G bases (chr1:183,566,940-183,566,941); deleting either gives the same sequence. VCF-style (leftmost placement, unchanged base first): chr1-183566939-TG-T. GRCh37 (hg19) VCF-style: chr1-183536074-TG-T.
Other names: c.904delC (NM_000433.3); c.904del, p.His302fs (NM_001127651.3); c.661del, p.His221fs (NM_001190789.2); c.769del, p.His257fs (NM_001190794.2); short protein forms H221fs, H302fs, H257fs.
Identifiers: ClinVar variation 579352 (VCV000579352.7), dbSNP rs777621636, ClinGen allele CA1284764.